The following is an entry in ClinVar:

NM_000038.6(APC):c.5972A>C (p.Glu1991Ala)

Gene: APC (APC regulator of Wnt signaling pathway; plus strand). Cytogenetic location: 5q22.2.
Variant type: single nucleotide variant.
Coding change: c.5972A>C on transcript NM_000038.6 (MANE Select); coding-DNA position 5972, A replaced by C.
Protein change: p.Glu1991Ala; replaces glutamic acid 1991 with alanine.
Molecular consequence: missense variant.
Genome position (GRCh38, 1-based): chr5:112,841,566, A>C. VCF-style: chr5-112841566-A-C. GRCh37 (hg19) VCF-style: chr5-112177263-A-C.
Other names: c.5123A>C, p.Glu1708Ala (NM_001354906.2, NM_001407470.1); c.6026A>C, p.Glu2009Ala (NM_001407447.1, NM_001407448.1, NM_001407449.1 and 1 more transcripts); c.6056A>C, p.Glu2019Ala (NM_001407446.1); c.5972A>C, p.Glu1991Ala (NM_001407450.1, NM_001127510.3, NM_001354895.2); c.5951A>C, p.Glu1984Ala (NM_001407451.1); c.5918A>C, p.Glu1973Ala (NM_001127511.3); c.6002A>C, p.Glu2001Ala (NM_001354897.2); c.5897A>C, p.Glu1966Ala (NM_001354898.2); and 11 more; short protein forms E1708A, E1890A, E1963A, E1991A, E2001A, E2009A, E1607A, E1831A.
Identifiers: ClinVar variation 1750793 (VCV001750793.2), dbSNP rs1766102152, ClinGen allele CA16034405.

ClinVar aggregate classification (germline): Uncertain significance (1 of 4 stars; one submission).

Conditions:
Hereditary cancer-predisposing syndrome. Also called: Hereditary Cancer Syndrome; Hereditary neoplastic syndrome; Neoplastic Syndromes, Hereditary; Tumor predisposition. Identifiers: Orphanet 140162, MedGen C0027672, MeSH D009386, MONDO:0015356.

Submission:

Ambry Genetics
Classification: Uncertain significance for Hereditary cancer-predisposing syndrome. Last evaluated: 2020-08-31. Review status: criteria provided, single submitter. Criteria: Ambry Variant Classification Scheme 2023. Collection method: clinical testing. Allele origin: germline.
Comment: The p.E1991A variant (also known as c.5972A>C), located in coding exon 15 of the APC gene, results from an A to C substitution at nucleotide position 5972. The glutamic acid at codon 1991 is replaced by alanine, an amino acid with dissimilar properties. This amino acid position is not well conserved in available vertebrate species. In addition, in silico predictors for this gene do not accurately predict pathogenicity. Since supporting evidence is limited at this time, the clinical significance of this alteration remains unclear.